The following is an entry in ClinVar:

ClinVar aggregate classification (germline): Uncertain significance (1 of 4 stars; one submission).

Conditions:
Multiple endocrine neoplasia, type 2 (MEN2). Identifiers: Orphanet 653, MedGen C4048306, MONDO:0019003. Disease mechanism: gain of function.

Submission:

Labcorp Genetics (formerly Invitae), Labcorp
Classification: Uncertain significance for Multiple endocrine neoplasia, type 2. Last evaluated: 2025-11-27. Review status: criteria provided, single submitter. Criteria: Invitae Variant Classification Sherloc (09022015). Collection method: clinical testing. Allele origin: germline.
Comment: This sequence change creates a premature translational stop signal (p.Leu1077Thrfs*5) in the RET gene. While this is not anticipated to result in nonsense mediated decay, it is expected to disrupt the last 38 amino acid(s) of the RET protein. This variant is not present in population databases (gnomAD no frequency). This variant has not been reported in the literature in individuals affected with RET-related conditions. In summary, the available evidence is currently insufficient to determine the role of this variant in disease. Therefore, it has been classified as a Variant of Uncertain Significance.

NM_020975.6(RET):c.3227dup (p.Leu1077fs)

Gene: RET (ret proto-oncogene; plus strand). Cytogenetic location: 10q11.21.
Variant type: Duplication.
Coding change: c.3227dup on transcript NM_020975.6 (MANE Select); coding-DNA position 3227, one base duplicated (C; older notation c.3227dupC).
Protein change: p.Leu1077fs; shifts the reading frame from leucine 1077.
Molecular consequence: frameshift variant. On other transcripts: 3 prime UTR variant (18), intron variant (3).
Genome position (GRCh38, 1-based): chr10:43,128,151, C duplicated; the last of 2 consecutive C bases (chr10:43,128,150-43,128,151); duplicating either gives the same sequence. VCF-style (leftmost placement, unchanged base first): chr10-43128149-A-AC. GRCh37 (hg19) VCF-style: chr10-43623597-A-AC.
Other names: c.*1397dup (NM_001355216.2, NM_001406764.1, NM_001406765.1 and 15 more transcripts); c.3227dup, p.Leu1077fs (NM_001406743.1); c.3167dup, p.Leu1057fs (NM_001406759.1, NM_001406760.1); c.3098dup, p.Leu1034fs (NM_001406761.1, NM_001406762.1); c.3092dup, p.Leu1032fs (NM_001406763.1); c.2939dup, p.Leu981fs (NM_001406766.1, NM_001406767.1); c.2831dup, p.Leu945fs (NM_001406769.1); c.2789dup, p.Leu931fs (NM_001406771.1); and 10 more; short protein forms L945fs, L1032fs, L1077fs, L735fs, L778fs, L835fs, L931fs, L981fs.
Identifiers: ClinVar variation 4754128 (VCV004754128.1).